The following is an entry in ClinVar:

NM_001844.5(COL2A1):c.701G>T (p.Gly234Val)

Gene: COL2A1 (collagen type II alpha 1 chain; minus strand). Cytogenetic location: 12q13.11.
Variant type: single nucleotide variant.
Coding change: c.701G>T on transcript NM_001844.5 (MANE Select); coding-DNA position 701, G replaced by T.
Protein change: p.Gly234Val; replaces glycine 234 with valine.
Molecular consequence: missense variant.
Genome position (GRCh38, 1-based): chr12:47,995,717, C>A on the plus strand (G>T on the coding strand, the complement: COL2A1 is on the minus strand). VCF-style: chr12-47995717-C-A. GRCh37 (hg19) VCF-style: chr12-48389500-C-A.
Other names: c.494G>T, p.Gly165Val (NM_033150.3); c.701G>T (NM_001844.4); short protein forms G165V, G234V.
Identifiers: ClinVar variation 3720384 (VCV003720384.3).

ClinVar aggregate classification (germline): Likely pathogenic. Review status: criteria provided, multiple submitters, no conflicts (2 of 4 stars). 2 submissions from 2 submitters: Likely pathogenic (2). Last evaluated 2024-11-21.

Conditions:
Stickler syndrome type 1 (STL1). Also called: ARTHROOPHTHALMOPATHY, HEREDITARY PROGRESSIVE; STICKLER SYNDROME, MEMBRANOUS VITREOUS TYPE; STICKLER SYNDROME, VITREOUS TYPE 1; COL2A1-Related Stickler Syndrome. Identifiers: Orphanet 828, Orphanet 90653, MedGen C2020284, MONDO:0007160, OMIM 108300.

Submissions (2):

Labcorp Genetics (formerly Invitae), Labcorp
Classification: Likely pathogenic. Last evaluated: 2024-11-21. Review status: criteria provided, single submitter. Criteria: Invitae Variant Classification Sherloc (09022015). Collection method: clinical testing. Allele origin: germline.
Comment: This sequence change replaces glycine, which is neutral and non-polar, with valine, which is neutral and non-polar, at codon 234 of the COL2A1 protein (p.Gly234Val). This variant is not present in population databases (gnomAD no frequency). This variant has not been reported in the literature in individuals affected with COL2A1-related conditions. Invitae Evidence Modeling of protein sequence and biophysical properties (such as structural, functional, and spatial information, amino acid conservation, physicochemical variation, residue mobility, and thermodynamic stability) indicates that this missense variant is expected to disrupt COL2A1 protein function with a positive predictive value of 95%. This variant disrupts the triple helix domain of COL2A1. Glycine residues within the Gly-Xaa-Yaa repeats of the triple helix domain are required for the structure and stability of fibrillar collagens (PMID: 7695699, 8218237, 19344236). In COL2A1, variants affecting these glycine residues are significantly enriched in individuals with disease (PMID: 9016532, 17078022) compared to the general population (ExAC). In summary, the currently available evidence indicates that the variant is pathogenic, but additional data are needed to prove that conclusively. Therefore, this variant has been classified as Likely Pathogenic.

Clinical Genetics Service, Universitary Hospital 12 de Octubre
Classification: Likely pathogenic for Stickler syndrome type 1. Review status: criteria provided, single submitter. Criteria: ACMG Guidelines, 2015. Collection method: clinical testing. Allele origin: de novo. Affected: yes.

Literature cited by the submitters: PubMed 7695699 (cited by Labcorp Genetics (formerly Invitae), Labcorp); PubMed 8218237 (cited by Labcorp Genetics (formerly Invitae), Labcorp); PubMed 19344236 (cited by Labcorp Genetics (formerly Invitae), Labcorp); PubMed 9016532 (cited by Labcorp Genetics (formerly Invitae), Labcorp); PubMed 17078022 (cited by Labcorp Genetics (formerly Invitae), Labcorp).